The following is an entry in ClinVar:

ClinVar aggregate classification (germline): Likely benign. Review status: criteria provided, single submitter (1 of 4 stars). 2 submissions from 2 submitters: Likely benign (1). 1 of the submissions does not count toward it. Last evaluated 2025-03-25.

Conditions:
KIDINS220-related disorder. Also called: KIDINS220-related condition.

Allele frequency attached by ClinVar (database versions not stated): ExAC 0.00001; gnomAD 0.00001; gnomAD exomes 0.00001; TOPMed 0.00002.
gnomAD v4.1: 11 of 1,606,366 alleles (0.00068%); highest among the groups gnomAD compares: East Asian, 0.013%; no homozygotes.

Submissions (2):

Labcorp Genetics (formerly Invitae), Labcorp
Classification: Likely benign. Last evaluated: 2025-03-25. Review status: criteria provided, single submitter. Criteria: Invitae Variant Classification Sherloc (09022015). Collection method: clinical testing. Allele origin: germline.

PreventionGenetics, part of Exact Sciences
Classification: Likely benign for KIDINS220-related condition. Last evaluated: 2024-02-07. Review status: no assertion criteria provided. Collection method: clinical testing. Allele origin: germline. Not counted in ClinVar's aggregate classification.
Comment: This variant is classified as likely benign based on ACMG/AMP sequence variant interpretation guidelines (Richards et al. 2015 PMID: 25741868, with internal and published modifications).

NM_020738.4(KIDINS220):c.2370+10C>T

Gene: KIDINS220 (kinase D interacting substrate 220; minus strand). Cytogenetic location: 2p25.1.
Variant type: single nucleotide variant.
Coding change: c.2370+10C>T on transcript NM_020738.4 (MANE Select); 10 bases into the intron after coding-DNA position 2370, C replaced by T.
Molecular consequence: intron variant.
Genome position (GRCh38, 1-based): chr2:8,779,664, G>A on the plus strand (C>T on the coding strand, the complement: KIDINS220 is on the minus strand). VCF-style: chr2-8779664-G-A. GRCh37 (hg19) VCF-style: chr2-8919794-G-A.
Other names: c.2370+10C>T (NM_001348741.2, NM_001348738.2, NM_001348742.2 and 3 more transcripts); c.2373+10C>T (NM_001348739.2, NM_001348740.2, NM_001348734.2 and 3 more transcripts); c.2244+10C>T (NM_001348736.2).
Identifiers: ClinVar variation 3049702 (VCV003049702.3), dbSNP rs777540066, ClinGen allele CA1519998.